The following is an entry in ClinVar:

ClinVar aggregate classification (germline): Uncertain significance (1 of 4 stars; one submission).

Conditions:
Familial cancer of breast. Also called: hereditary breast carcinoma; Hereditary breast cancer; BREAST CANCER, FAMILIAL. Identifiers: Orphanet 227535, MedGen C0346153, MONDO:0016419, OMIM 114480. Disease mechanism: loss of function.

Submission:

Labcorp Genetics (formerly Invitae), Labcorp
Classification: Uncertain significance for Familial cancer of breast. Last evaluated: 2024-05-29. Review status: criteria provided, single submitter. Criteria: Invitae Variant Classification Sherloc (09022015). Collection method: clinical testing. Allele origin: germline.
Comment: This sequence change replaces asparagine, which is neutral and polar, with serine, which is neutral and polar, at codon 690 of the BARD1 protein (p.Asn690Ser). This variant is not present in population databases (gnomAD no frequency). This variant has not been reported in the literature in individuals affected with BARD1-related conditions. ClinVar contains an entry for this variant (Variation ID: 1511046). Algorithms developed to predict the effect of missense changes on protein structure and function output the following: SIFT: "Not Available"; PolyPhen-2: "Benign"; Align-GVGD: "Not Available". The serine amino acid residue is found in multiple mammalian species, which suggests that this missense change does not adversely affect protein function. In summary, the available evidence is currently insufficient to determine the role of this variant in disease. Therefore, it has been classified as a Variant of Uncertain Significance.

NM_000465.4(BARD1):c.2069A>G (p.Asn690Ser)

Gene: BARD1 (BRCA1 associated RING domain 1; minus strand). Cytogenetic location: 2q35.
Variant type: single nucleotide variant.
Coding change: c.2069A>G on transcript NM_000465.4 (MANE Select); coding-DNA position 2069, A replaced by G.
Protein change: p.Asn690Ser; replaces asparagine 690 with serine.
Molecular consequence: missense variant. On other transcripts: non-coding transcript variant (3).
Genome position (GRCh38, 1-based): chr2:214,728,941, T>C on the plus strand (A>G on the coding strand, the complement: BARD1 is on the minus strand). VCF-style: chr2-214728941-T-C. GRCh37 (hg19) VCF-style: chr2-215593665-T-C.
Other names: c.2012A>G, p.Asn671Ser (NM_001282543.2); c.716A>G, p.Asn239Ser (NM_001282545.2); c.659A>G, p.Asn220Ser (NM_001282548.2); c.530A>G, p.Asn177Ser (NM_001282549.2); short protein forms N177S, N239S, N671S, N220S, N690S.
Identifiers: ClinVar variation 1511046 (VCV001511046.7), dbSNP rs2105987704, ClinGen allele CA350450680.